The following is an entry in ClinVar:

ClinVar aggregate classification (germline): Uncertain significance (1 of 4 stars; one submission).

Conditions:
Naxos disease (NXD). Also called: KERATOSIS PALMOPLANTARIS WITH ARRHYTHMOGENIC CARDIOMYOPATHY; MAL DE NAXOS; PALMOPLANTAR KERATODERMA WITH ARRHYTHMOGENIC RIGHT VENTRICULAR CARDIOMYOPATHY AND WOOLLY HAIR; WOOLLY HAIR, PALMOPLANTAR KERATODERMA, AND CARDIAC ABNORMALITIES; CARDIOMYOPATHY, ARRHYTHMOGENIC RIGHT VENTRICULAR, WITH SKIN, HAIR, AND NAIL ABNORMALITIES. Identifiers: Orphanet 34217, MedGen C1832600, MONDO:0011017, OMIM 601214.
Arrhythmogenic right ventricular dysplasia 12. Also called: ARRHYTHMOGENIC RIGHT VENTRICULAR DYSPLASIA, FAMILIAL, 12. Identifiers: MedGen C1969081, MONDO:0012684, OMIM 611528.

Allele frequency attached by ClinVar (database versions not stated): gnomAD 0.00001; gnomAD exomes 0.00003; TOPMed 0.00003; ExAC 0.00006.
gnomAD v4.1: 3 of 1,608,690 alleles (0.00019%); highest among the groups gnomAD compares: East Asian, 0.0067%; no homozygotes.

Submission:

Labcorp Genetics (formerly Invitae), Labcorp
Classification: Uncertain significance for Arrhythmogenic right ventricular dysplasia 12; Naxos disease. Last evaluated: 2022-08-16. Review status: criteria provided, single submitter. Criteria: Invitae Variant Classification Sherloc (09022015). Collection method: clinical testing. Allele origin: germline.
Comment: In summary, the available evidence is currently insufficient to determine the role of this variant in disease. Therefore, it has been classified as a Variant of Uncertain Significance. Algorithms developed to predict the effect of missense changes on protein structure and function are either unavailable or do not agree on the potential impact of this missense change (SIFT: "Tolerated"; PolyPhen-2: "Possibly Damaging"; Align-GVGD: "Class C0"). ClinVar contains an entry for this variant (Variation ID: 1041954). This variant has not been reported in the literature in individuals affected with JUP-related conditions. This variant is present in population databases (rs782080859, gnomAD 0.04%). This sequence change replaces threonine, which is neutral and polar, with isoleucine, which is neutral and non-polar, at codon 111 of the JUP protein (p.Thr111Ile).

NM_002230.4(JUP):c.332C>T (p.Thr111Ile)

Gene: JUP (junction plakoglobin; minus strand). Cytogenetic location: 17q21.2.
Variant type: single nucleotide variant.
Coding change: c.332C>T on transcript NM_002230.4 (MANE Select); coding-DNA position 332, C replaced by T.
Protein change: p.Thr111Ile; replaces threonine 111 with isoleucine.
Molecular consequence: missense variant.
Genome position (GRCh38, 1-based): chr17:41,769,554, G>A on the plus strand (C>T on the coding strand, the complement: JUP is on the minus strand). VCF-style: chr17-41769554-G-A. GRCh37 (hg19) VCF-style: chr17-39925806-G-A.
Other names: c.332C>T, p.Thr111Ile (NM_001352773.2, NM_001352774.2, NM_001352775.2 and 3 more transcripts); short protein forms T111I.
Identifiers: ClinVar variation 1041954 (VCV001041954.9), dbSNP rs782080859, ClinGen allele CA8565521.
Genomic context (GRCh38, chr17:41,769,554, plus strand): 5'-ATGAGATGCACAATGGCCGACTTGAGCAGCTGGGACGGCTCGGCCAGTCGCTGCAGGTTG[G>A]TGGCCTGCCCCTCCACCTGGGTGGCCAGCAGAAGCGAGCTGTCCTCGCCTGACACACCAG-3'
Protein context (NP_002221.1, residues 101-121): LLATQVEGQA[Thr111Ile]NLQRLAEPSQ